The following is an entry in ClinVar:

NM_024685.4(BBS10):c.1068del (p.Ser358fs)

Gene: BBS10 (Bardet-Biedl syndrome 10; minus strand). Cytogenetic location: 12q21.2.
Variant type: Deletion.
Coding change: c.1068del on transcript NM_024685.4 (MANE Select); coding-DNA position 1068, one base deleted (C; older notation c.1068delC).
Protein change: p.Ser358fs; shifts the reading frame from serine 358.
Molecular consequence: frameshift variant.
Genome position (GRCh38, 1-based): chr12:76,346,917, G deleted on the plus strand (C on the coding strand, the reverse complement: BBS10 is on the minus strand); the first of 2 consecutive G bases (chr12:76,346,917-76,346,918); deleting either gives the same sequence. VCF-style (leftmost placement, unchanged base first): chr12-76346916-AG-A. GRCh37 (hg19) VCF-style: chr12-76740696-AG-A.
Other names: short protein forms S358fs.
Identifiers: ClinVar variation 2738725 (VCV002738725.3), dbSNP rs2540956181, ClinGen allele CA2697551498.

ClinVar aggregate classification (germline): Pathogenic (1 of 4 stars; one submission).

Conditions:
Bardet-Biedl syndrome (BBS). Identifiers: Orphanet 110, MedGen C0752166, MONDO:0015229.

Submission:

Labcorp Genetics (formerly Invitae), Labcorp
Classification: Pathogenic for Bardet-Biedl syndrome. Last evaluated: 2023-09-21. Review status: criteria provided, single submitter. Criteria: Invitae Variant Classification Sherloc (09022015). Collection method: clinical testing. Allele origin: germline.
Comment: For these reasons, this variant has been classified as Pathogenic. This variant disrupts a region of the BBS10 protein in which other variant(s) (p.Val707*) have been determined to be pathogenic (PMID: 20472660, 22773737, 25982971, 27486776). This suggests that this is a clinically significant region of the protein, and that variants that disrupt it are likely to be disease-causing. This variant has not been reported in the literature in individuals affected with BBS10-related conditions. This variant is not present in population databases (gnomAD no frequency). This sequence change creates a premature translational stop signal (p.Ser358Argfs*11) in the BBS10 gene. While this is not anticipated to result in nonsense mediated decay, it is expected to disrupt the last 366 amino acid(s) of the BBS10 protein.

Literature cited by the submitters: PubMed 20472660; PubMed 22773737; PubMed 25982971; PubMed 27486776.